The following is an entry in ClinVar:

ClinVar aggregate classification (germline): Uncertain significance (1 of 4 stars; one submission).

Conditions:
Intellectual developmental disorder, autosomal dominant 6, with or without seizures. Also called: Intellectual disability, autosomal dominant 6; GRIN2B-related developmental delay, intellectual disability and autism spectrum disorder. Identifiers: Orphanet 589547, MedGen C3151411, MONDO:0013509, OMIM 613970.
Developmental and epileptic encephalopathy, 27 (DEE27). Also called: GRIN2B-Related Neurodevelopmental Disorder; Epileptic encephalopathy, early infantile, 27. Identifiers: Orphanet 3451, MedGen C4015316, MONDO:0014505, OMIM 616139.

Submission:

Labcorp Genetics (formerly Invitae), Labcorp
Classification: Uncertain significance for Developmental and epileptic encephalopathy, 27; Intellectual developmental disorder, autosomal dominant 6, with or without seizures. Last evaluated: 2018-11-16. Review status: criteria provided, single submitter. Criteria: Invitae Variant Classification Sherloc (09022015). Collection method: clinical testing. Allele origin: germline.
Comment: This variant is not present in population databases (ExAC no frequency). Algorithms developed to predict the effect of sequence changes on RNA splicing suggest that this variant may create or strengthen a splice site, but this prediction has not been confirmed by published transcriptional studies. Algorithms developed to predict the effect of missense changes on protein structure and function are either unavailable or do not agree on the potential impact of this missense change (SIFT: "Tolerated"; PolyPhen-2: "Probably Damaging"; Align-GVGD: "Class C0"). This variant has not been reported in the literature in individuals with GRIN2B-related disease. In summary, the available evidence is currently insufficient to determine the role of this variant in disease. Therefore, it has been classified as a Variant of Uncertain Significance. This sequence change replaces asparagine with lysine at codon 688 of the GRIN2B protein (p.Asn688Lys). The asparagine residue is highly conserved and there is a moderate physicochemical difference between asparagine and lysine.

NM_000834.5(GRIN2B):c.2064C>A (p.Asn688Lys)

Gene: GRIN2B (glutamate ionotropic receptor NMDA type subunit 2B; minus strand). Cytogenetic location: 12p13.1.
Variant type: single nucleotide variant.
Coding change: c.2064C>A on transcript NM_000834.5 (MANE Select); coding-DNA position 2064, C replaced by A.
Protein change: p.Asn688Lys; replaces asparagine 688 with lysine.
Molecular consequence: missense variant.
Genome position (GRCh38, 1-based): chr12:13,571,911, G>T on the plus strand (C>A on the coding strand, the complement: GRIN2B is on the minus strand). VCF-style: chr12-13571911-G-T. GRCh37 (hg19) VCF-style: chr12-13724845-G-T.
Other names: short protein forms N688K.
Identifiers: ClinVar variation 643873 (VCV000643873.9), dbSNP rs748606750, ClinGen allele CA383999798.